The following is an entry in ClinVar:

ClinVar aggregate classification (germline): Uncertain significance (1 of 4 stars; one submission).

Conditions:
Oocyte maturation defect 12. Also called: OOCYTE/ZYGOTE/EMBRYO MATURATION ARREST 12. Identifiers: MedGen C5562063, MONDO:0030523, OMIM 619697.

gnomAD v4.1: 1 of 1,614,166 alleles (0.000062%); highest among the groups gnomAD compares: East Asian, 0.0022%; no homozygotes.

Submission:

Fujungenetics Technologies
Classification: Uncertain significance for Oocyte maturation defect 12. Last evaluated: 2026-04-14. Review status: criteria provided, single submitter. Criteria: ACMG Guidelines, 2015. Collection method: clinical testing. Allele origin: germline. Inheritance: Autosomal recessive inheritance. Affected: yes. Observed: 1 variant allele, 1 compound heterozygote.
Comment: According to the ACMG/AMP 2015 guidelines, this variant is classified as Variant of Uncertain Significance (VUS) . PM2_Supporting: The variant is extremely rare in the general population. According to gnomAD v2.1.1, the overall allele frequency is <0.01% (1/249546), with no homozygous individuals detected. The highest allele frequency is observed in the East Asian population, at 0.000056 (1/17978), meeting the criteria for PM2_Supporting. PP3: Multiple in silico predictive tools support a deleterious effect on the gene/protein function. The REVEL score is 0.717 (≥0.644, PMID: 36413997), which is a strong predictor of pathogenicity, fulfilling the PP3 criterion.

Literature cited by the submitters: PubMed 36413997.

NM_001029860.4(FBXO43):c.2029G>A (p.Gly677Arg)

Gene: FBXO43 (F-box protein 43; minus strand). Cytogenetic location: 8q22.2.
Variant type: single nucleotide variant.
Coding change: c.2029G>A on transcript NM_001029860.4 (MANE Select); coding-DNA position 2029, G replaced by A.
Protein change: p.Gly677Arg; replaces glycine 677 with arginine.
Molecular consequence: missense variant. On other transcripts: non-coding transcript variant (1).
Genome position (GRCh38, 1-based): chr8:100,133,900, C>T on the plus strand (G>A on the coding strand, the complement: FBXO43 is on the minus strand). VCF-style: chr8-100133900-C-T. GRCh37 (hg19) VCF-style: chr8-101146128-C-T.
Other names: short protein forms G677R.
Identifiers: ClinVar variation 4850106 (VCV004850106.1).